The following is an entry in ClinVar:

NM_139058.3(ARX):c.415C>A (p.Pro139Thr)

Genes: ARX (aristaless related homeobox; minus strand), LOC109610631 (aristaless related homeobox polyalanine expansion region; plus strand). Cytogenetic location: Xp21.3.
Variant type: single nucleotide variant.
Coding change: c.415C>A on transcript NM_139058.3 (MANE Select); coding-DNA position 415, C replaced by A.
Protein change: p.Pro139Thr; replaces proline 139 with threonine.
Molecular consequence: missense variant.
Genome position (GRCh38, 1-based): chrX:25,013,580, G>T on the plus strand (C>A on the coding strand, the complement: ARX is on the minus strand). VCF-style: chrX-25013580-G-T. GRCh37 (hg19) VCF-style: chrX-25031697-G-T.
Other names: short protein forms P139T.
Identifiers: ClinVar variation 1416525 (VCV001416525.6), dbSNP rs2048712673, ClinGen allele CA412613231.
Genomic context (GRCh38, chrX:25,013,580, plus strand): 5'-GCGTGTCCCAGGCCGCGGCGGCCGCGGCCGCGGCTGCCGCGGCGGCCCCTGCGCCGTCCG[G>T]CCGTTCCCCGGGCCGCGCGGTTGGCGGTGGCGGCGGAGGGGCCTCCCCGCGTGGACCCGC-3'
Protein context (NP_620689.1, residues 129-149): PPPTARPGER[Pro139Thr]DGAGAAAAAA

ClinVar aggregate classification (germline): Uncertain significance (1 of 4 stars; one submission).

Conditions:
Intellectual disability, X-linked, with or without seizures, ARX-related. Also called: MENTAL RETARDATION, X-LINKED 29; MENTAL RETARDATION, X-LINKED 32; MENTAL RETARDATION, X-LINKED 33; MENTAL RETARDATION, X-LINKED 38; MENTAL RETARDATION, X-LINKED 43; MENTAL RETARDATION, X-LINKED 76. Identifiers: Orphanet 777, MedGen C0796244, MONDO:0010317, OMIM 300419.
Developmental and epileptic encephalopathy, 1 (DEE1). Also called: INFANTILE SPASM SYNDROME, X-LINKED 1; X-linked infantile spasms; West's syndrome; Tonic spasms with clustering, arrest of psychomotor development and hypsarrhythmia on EEG; X-Linked Infantile Spasm Syndrome; OHTAHARA SYNDROME, X-LINKED. Identifiers: MedGen C3463992, MONDO:0010632, OMIM 308350. Disease mechanism: loss of function.

Submission:

Labcorp Genetics (formerly Invitae), Labcorp
Classification: Uncertain significance for Developmental and epileptic encephalopathy, 1; Intellectual disability, X-linked, with or without seizures, ARX-related. Last evaluated: 2024-11-05. Review status: criteria provided, single submitter. Criteria: Invitae Variant Classification Sherloc (09022015). Collection method: clinical testing. Allele origin: germline.
Comment: This sequence change replaces proline, which is neutral and non-polar, with threonine, which is neutral and polar, at codon 139 of the ARX protein (p.Pro139Thr). The frequency data for this variant in the population databases is considered unreliable, as metrics indicate insufficient coverage at this position in the gnomAD database. This variant has not been reported in the literature in individuals affected with ARX-related conditions. ClinVar contains an entry for this variant (Variation ID: 1416525). Invitae Evidence Modeling of protein sequence and biophysical properties (such as structural, functional, and spatial information, amino acid conservation, physicochemical variation, residue mobility, and thermodynamic stability) indicates that this missense variant is not expected to disrupt ARX protein function with a negative predictive value of 95%. In summary, the available evidence is currently insufficient to determine the role of this variant in disease. Therefore, it has been classified as a Variant of Uncertain Significance.